The following is an entry in ClinVar:

NM_001953.5(TYMP):c.916G>A (p.Val306Ile)

Genes: TYMP (thymidine phosphorylase; minus strand), LOC130067862 (ATAC-STARR-seq lymphoblastoid silent region 13986; plus strand). Cytogenetic location: 22q13.33.
Variant type: single nucleotide variant.
Coding change: c.916G>A on transcript NM_001953.5 (MANE Select); coding-DNA position 916, G replaced by A.
Protein change: p.Val306Ile; replaces valine 306 with isoleucine.
Molecular consequence: missense variant.
Genome position (GRCh38, 1-based): chr22:50,526,588, C>T on the plus strand (G>A on the coding strand, the complement: TYMP is on the minus strand). VCF-style: chr22-50526588-C-T. GRCh37 (hg19) VCF-style: chr22-50965017-C-T.
Other names: c.916G>A, p.Val306Ile (NM_001113755.3, NM_001113756.3, NM_001257988.1 and 1 more transcripts); short protein forms V306I.
Identifiers: ClinVar variation 2139303 (VCV002139303.2), dbSNP rs934798949, ClinGen allele CA325561124.

ClinVar aggregate classification (germline): Uncertain significance (1 of 4 stars; one submission).

Allele frequency attached by ClinVar (database versions not stated): gnomAD 0.00001; gnomAD exomes 0.00002; TOPMed 0.00004.

Submission:

Labcorp Genetics (formerly Invitae), Labcorp
Classification: Uncertain significance. Last evaluated: 2025-07-01. Review status: criteria provided, single submitter. Criteria: Invitae Variant Classification Sherloc (09022015). Collection method: clinical testing. Allele origin: germline.
Comment: This sequence change replaces valine, which is neutral and non-polar, with isoleucine, which is neutral and non-polar, at codon 306 of the TYMP protein (p.Val306Ile). The frequency data for this variant in the population databases is considered unreliable, as metrics indicate poor data quality at this position in the gnomAD database. This variant has not been reported in the literature in individuals affected with TYMP-related conditions. ClinVar contains an entry for this variant (Variation ID: 2139303). Invitae Evidence Modeling of protein sequence and biophysical properties (such as structural, functional, and spatial information, amino acid conservation, physicochemical variation, residue mobility, and thermodynamic stability) indicates that this missense variant is not expected to disrupt TYMP protein function with a negative predictive value of 80%. In summary, the available evidence is currently insufficient to determine the role of this variant in disease. Therefore, it has been classified as a Variant of Uncertain Significance.